The following is an entry in ClinVar:

ClinVar aggregate classification (germline): Uncertain significance. Review status: criteria provided, multiple submitters, no conflicts (2 of 4 stars). 2 submissions from 2 submitters: Uncertain significance (2). Last evaluated 2025-05-22.

Conditions:
Autosomal dominant polycystic kidney disease. Identifiers: Orphanet 730, MedGen C0085413, MONDO:0004691.
Polycystic kidney disease 2 (PKD2). Also called: POLYCYSTIC KIDNEY DISEASE, ADULT, TYPE II; Polycystic Kidney Disease 2, Autosomal Dominant; POLYCYSTIC KIDNEY DISEASE 2 WITH OR WITHOUT POLYCYSTIC LIVER DISEASE. Identifiers: MedGen C2751306, MONDO:0013131, OMIM 613095.

gnomAD v4.1: 24 of 1,461,606 alleles (0.0016%); highest among the groups gnomAD compares: African/African-American, 0.026%; no homozygotes.

Submissions (2):

Labcorp Genetics (formerly Invitae), Labcorp
Classification: Uncertain significance for Autosomal dominant polycystic kidney disease. Last evaluated: 2025-05-22. Review status: criteria provided, single submitter. Criteria: Invitae Variant Classification Sherloc (09022015). Collection method: clinical testing. Allele origin: germline.
Comment: This sequence change replaces proline, which is neutral and non-polar, with leucine, which is neutral and non-polar, at codon 173 of the PKD2 protein (p.Pro173Leu). This variant is present in population databases (no rsID available, gnomAD 0.01%). This variant has not been reported in the literature in individuals affected with PKD2-related conditions. ClinVar contains an entry for this variant (Variation ID: 3591347). An algorithm developed to predict the effect of missense changes on protein structure and function (PolyPhen-2) suggests that this variant is likely to be tolerated. In summary, the available evidence is currently insufficient to determine the role of this variant in disease. Therefore, it has been classified as a Variant of Uncertain Significance.

Fulgent Genetics
Classification: Uncertain significance for Polycystic kidney disease 2. Last evaluated: 2024-04-26. Review status: criteria provided, single submitter. Criteria: ACMG Guidelines, 2015. Collection method: clinical testing. Allele origin: germline.

NM_000297.4(PKD2):c.518C>T (p.Pro173Leu)

Genes: PKD2 (polycystin 2, transient receptor potential cation channel; plus strand), LOC129992813 (ATAC-STARR-seq lymphoblastoid silent region 15559; plus strand). Cytogenetic location: 4q22.1.
Variant type: single nucleotide variant.
Coding change: c.518C>T on transcript NM_000297.4 (MANE Select); coding-DNA position 518, C replaced by T.
Protein change: p.Pro173Leu; replaces proline 173 with leucine.
Molecular consequence: missense variant. On other transcripts: non-coding transcript variant (1).
Genome position (GRCh38, 1-based): chr4:88,008,251, C>T. VCF-style: chr4-88008251-C-T. GRCh37 (hg19) VCF-style: chr4-88929403-C-T.
Other names: short protein forms P173L.
Identifiers: ClinVar variation 3591347 (VCV003591347.2).
Genomic context (GRCh38, chr4:88,008,251, plus strand): 5'-GGCGGCGCCGGCGAGAGGACCAGGGCCCGCCGTGCCCCAGCCCAGTCGGCGGCGGGGACC[C>T]GCTGCATCGCCACCTCCCCCTGGAAGGGCAGCCGCCCCGAGTGGCCTGGGCGGAGAGGCT-3'
Protein context (NP_000288.1, residues 163-183): PCPSPVGGGD[Pro173Leu]LHRHLPLEGQ